The following is an entry in ClinVar:

NM_003900.5(SQSTM1):c.196C>T (p.His66Tyr)

Genes: SQSTM1 (sequestosome 1; plus strand), LOC129995449 (ATAC-STARR-seq lymphoblastoid silent region 16749; plus strand). Cytogenetic location: 5q35.3.
Variant type: single nucleotide variant.
Coding change: c.196C>T on transcript NM_003900.5 (MANE Select); coding-DNA position 196, C replaced by T.
Protein change: p.His66Tyr; replaces histidine 66 with tyrosine.
Molecular consequence: missense variant. On other transcripts: intron variant (2).
Genome position (GRCh38, 1-based): chr5:179,821,132, C>T. VCF-style: chr5-179821132-C-T. GRCh37 (hg19) VCF-style: chr5-179248132-C-T.
Other names: c.-47-1826C>T (NM_001142298.2, NM_001142299.2); short protein forms H66Y.
Identifiers: ClinVar variation 1699867 (VCV001699867.2), dbSNP rs2113480146, ClinGen allele CA362442551.

ClinVar aggregate classification (germline): Uncertain significance (1 of 4 stars; one submission).

Allele frequency attached by ClinVar (database versions not stated): gnomAD exomes 0.00001.
gnomAD v4.1: 10 of 1,363,600 alleles (0.00073%); highest among the groups gnomAD compares: Non-Finnish European, 0.00094%; no homozygotes.

Submission:

GeneDx
Classification: Uncertain significance. Last evaluated: 2022-02-01. Review status: criteria provided, single submitter. Criteria: GeneDx Variant Classification Process June 2021. Collection method: clinical testing. Allele origin: germline. Affected: yes.
Comment: Not observed at significant frequency in large population cohorts (gnomAD); In silico analysis supports that this missense variant does not alter protein structure/function; Has not been previously published as pathogenic or benign to our knowledge